The following is an entry in ClinVar:

ClinVar aggregate classification (germline): Conflicting classifications of pathogenicity. Review status: criteria provided, conflicting classifications (1 of 4 stars). 18 submissions from 18 submitters: Uncertain significance (1); Benign (4); Likely benign (9). 4 of the submissions do not count toward it. Last evaluated 2026-05-01.

Conditions:
Lymphangiomyomatosis (LAM). Also called: Lymphangioleiomyomatosis; Lymphangioleiomyomatosis, somatic. Identifiers: Orphanet 538, MedGen C0751674, MONDO:0011705, OMIM 606690.
Isolated focal cortical dysplasia type II (FCORD2). Also called: CORTICAL DYSPLASIA OF TAYLOR; Focal cortical dysplasia type II. Identifiers: Orphanet 268994, MedGen C1846385, MONDO:0011818, OMIM 607341, HP:0032051.
Tuberous sclerosis 2 (TSC2). Identifiers: Orphanet 805, MedGen C1860707, MONDO:0013199, OMIM 613254.
TSC2-related disorder. Also called: TSC2-related condition; TSC2-Related Disorders.
Hereditary cancer-predisposing syndrome. Also called: Hereditary Cancer Syndrome; Tumor predisposition; Neoplastic Syndromes, Hereditary; Hereditary neoplastic syndrome. Identifiers: Orphanet 140162, MedGen C0027672, MeSH D009386, MONDO:0015356.
Tuberous sclerosis syndrome (TSC). Also called: Tuberous Sclerosis Complex; Tuberous sclerosis. Identifiers: Orphanet 805, MedGen C0041341, MONDO:0001734.

Allele frequency attached by ClinVar (database versions not stated): gnomAD 0.00011 and 0.00013; TOPMed 0.00012; 1000 Genomes Project 30x 0.00016; 1000 Genomes Project 0.00020; ESP Exome Variant Server 0.00023.
gnomAD v4.1: 340 of 1,612,714 alleles (0.021%); highest among the groups gnomAD compares: South Asian, 0.041%; no homozygotes.

Submissions (18):

CeGaT Center for Human Genetics Tuebingen
Classification: Likely benign. Last evaluated: 2026-05-01. Review status: criteria provided, single submitter. Criteria: CeGaT Center For Human Genetics Tuebingen Variant Classification Criteria Version 2. Collection method: clinical testing. Allele origin: germline. Affected: yes. Observed: 1 variant allele.
Comment: TSC2: BS1

Labcorp Genetics (formerly Invitae), Labcorp
Classification: Benign for Tuberous sclerosis 2. Last evaluated: 2026-02-03. Review status: criteria provided, single submitter. Criteria: Invitae Variant Classification Sherloc (09022015). Collection method: clinical testing. Allele origin: germline.

Myriad Genetics, Inc.
Classification: Likely benign for Tuberous sclerosis 2. Last evaluated: 2025-05-29. Review status: criteria provided, single submitter. Criteria: Myriad Autosomal Dominant, Autosomal Recessive and X-Linked Classification Criteria (2023). Collection method: clinical testing. Allele origin: unknown.
Comment: This variant is considered likely benign. This variant has been observed at a population frequency that is significantly greater than expected given the associated disease prevalence and penetrance.

Dasa
Classification: Uncertain significance for Tuberous sclerosis 2. Last evaluated: 2025-05-19. Review status: criteria provided, single submitter. Criteria: DASA Assertion Criteria. Collection method: clinical testing. Allele origin: germline.
Comment: NM_000548.5(TSC2):c.3557A>G (p.Tyr1186Cys) is a missense variant that results in the substitution of tyrosine with cysteine. This classification is supported by population frequency inconsistent with a disease-causing role. The currently available literature and clinical evidence are not sufficient to establish a definitive association between this variant and the reported condition. Therefore, this variant is classified as a variant of uncertain significance.

Blueprint Genetics
Classification: Likely benign. Last evaluated: 2024-09-14. Review status: criteria provided, single submitter. Criteria: ACMG Guidelines, 2015. Collection method: clinical testing. Allele origin: germline.

Department of Pathology and Laboratory Medicine, Sinai Health System
Classification: Likely benign for Lymphangiomyomatosis; Isolated focal cortical dysplasia type II; Tuberous sclerosis 2. Last evaluated: 2023-10-03. Review status: criteria provided, single submitter. Criteria: ACMG Guidelines, 2015. Collection method: clinical testing. Allele origin: germline. Affected: yes.

Women's Health and Genetics/Laboratory Corporation of America, LabCorp
Classification: Likely benign. Last evaluated: 2023-08-21. Review status: criteria provided, single submitter. Criteria: LabCorp Variant Classification Summary - May 2015. Collection method: clinical testing. Allele origin: germline.
Comment: Variant summary: TSC2 c.3557A>G (p.Tyr1186Cys) results in a non-conservative amino acid change in the encoded protein sequence. Five of five in-silico tools predict a damaging effect of the variant on protein function. The variant allele was found at a frequency of 0.00014 in 249786 control chromosomes. The observed variant frequency is approximately 2.1 fold of the estimated maximal expected allele frequency for a pathogenic variant in TSC2 causing Tuberous Sclerosis Complex phenotype (6.9e-05), strongly suggesting that the variant is benign. c.3557A>G has been reported in the literature in at least one individual affected with lymphangioleiomyomatosis, a rare clinical feature of Tuberous Sclerosis Complex (e.g., Meng_2021), however, this report does not provide unequivocal conclusions about association of the variant with Tuberous Sclerosis Complex. c.3557A>G has also been seen in at least one case-matched control individual (e.g, Kim_2018). To our knowledge, no experimental evidence demonstrating an impact on protein function has been reported. The following publications have been ascertained in the context of this evaluation (PMID: 30583724, 32917966). Seven submitters have cited clinical-significance assessments for this variant to ClinVar after 2014; all submitters classified the variant as benign or likely benign. Based on the evidence outlined above, the variant was classified as likely benign.

Color Diagnostics, LLC DBA Color Health
Classification: Likely benign for Tuberous sclerosis syndrome. Last evaluated: 2022-10-20. Review status: criteria provided, single submitter. Criteria: ACMG Guidelines, 2015. Collection method: clinical testing. Allele origin: germline.

Fulgent Genetics
Classification: Likely benign for Lymphangiomyomatosis; Isolated focal cortical dysplasia type II; Tuberous sclerosis 2. Last evaluated: 2022-05-03. Review status: criteria provided, single submitter. Criteria: ACMG Guidelines, 2015. Collection method: clinical testing. Allele origin: unknown.

Sema4
Classification: Benign for Hereditary cancer-predisposing syndrome. Last evaluated: 2022-01-04. Review status: criteria provided, single submitter. Criteria: Sema4 Curation Guidelines. Collection method: curation. Allele origin: germline.

Genome-Nilou Lab
Classification: Benign for Tuberous sclerosis 2. Last evaluated: 2021-11-07. Review status: criteria provided, single submitter. Criteria: ACMG Guidelines, 2015. Collection method: clinical testing. Allele origin: germline. Affected: no.

GeneDx
Classification: Benign. Last evaluated: 2020-09-24. Review status: criteria provided, single submitter. Criteria: GeneDx Variant Classification Process June 2021. Collection method: clinical testing. Allele origin: germline. Affected: yes.
Comment: This variant is associated with the following publications: (PMID: 19747374, 21309039, 29167182)

Ambry Genetics
Classification: Likely benign for Hereditary cancer-predisposing syndrome. Last evaluated: 2020-03-27. Review status: criteria provided, single submitter. Criteria: Ambry Variant Classification Scheme 2023. Collection method: clinical testing. Allele origin: germline.

Illumina Laboratory Services, Illumina
Classification: Likely benign for Tuberous sclerosis syndrome. Last evaluated: 2018-01-13. Review status: criteria provided, single submitter. Criteria: ICSL Variant Classification Criteria 13 December 2019. Collection method: clinical testing. Allele origin: germline.
Comment: This variant was observed in the ICSL laboratory as part of a predisposition screen in an ostensibly healthy population. It had not been previously curated by ICSL or reported in the Human Gene Mutation Database (HGMD: prior to June 1st, 2018), and was therefore a candidate for classification through an automated scoring system. Utilizing variant allele frequency, disease prevalence and penetrance estimates, and inheritance mode, an automated score was calculated to assess if this variant is too frequent to cause the disease. Based on the score and internal cut-off values, a variant classified as likely benign is not then subjected to further curation. The score for this variant resulted in a classification of likely benign for this disease.

PreventionGenetics, part of Exact Sciences
Classification: Likely benign for TSC2-related condition. Last evaluated: 2021-02-05. Review status: no assertion criteria provided. Collection method: clinical testing. Allele origin: germline. Not counted in ClinVar's aggregate classification.
Comment: This variant is classified as likely benign based on ACMG/AMP sequence variant interpretation guidelines (Richards et al. 2015 PMID: 25741868, with internal and published modifications).

Clinical Genetics DNA and cytogenetics Diagnostics Lab, Erasmus MC, Erasmus Medical Center
Classification: Benign. Review status: no assertion criteria provided. Collection method: clinical testing. Allele origin: germline. Affected: yes. Study: VKGL Data-share Consensus. Not counted in ClinVar's aggregate classification.

Genome Diagnostics Laboratory, Amsterdam University Medical Center
Classification: Likely benign. Review status: no assertion criteria provided. Collection method: clinical testing. Allele origin: germline. Affected: yes. Study: VKGL Data-share Consensus. Not counted in ClinVar's aggregate classification.

Tuberous sclerosis database (TSC2)
No classification provided. Condition: TSC. Review status: no classification provided. Criteria: Tuberous Sclerosis Database Assertion Criteria 2015. Collection method: curation. Allele origin: germline. Affected: yes. Not counted in ClinVar's aggregate classification.

Literature cited by the submitters: PubMed 30583724 (cited by Women's Health and Genetics/Laboratory Corporation of America, LabCorp); PubMed 32917966 (cited by Women's Health and Genetics/Laboratory Corporation of America, LabCorp).

NM_000548.5(TSC2):c.3557A>G (p.Tyr1186Cys)

Gene: TSC2 (TSC complex subunit 2; plus strand). Cytogenetic location: 16p13.3.
Variant type: single nucleotide variant.
Coding change: c.3557A>G on transcript NM_000548.5 (MANE Select); coding-DNA position 3557, A replaced by G.
Protein change: p.Tyr1186Cys; replaces tyrosine 1186 with cysteine.
Molecular consequence: missense variant.
Genome position (GRCh38, 1-based): chr16:2,080,324, A>G. VCF-style: chr16-2080324-A-G. GRCh37 (hg19) VCF-style: chr16-2130325-A-G.
Other names: c.3557A>G (NM_000548.4); c.3425A>G, p.Tyr1142Cys (NM_001077183.3, NM_001370404.1); c.3557A>G, p.Tyr1186Cys (NM_001114382.3); c.3317A>G, p.Tyr1106Cys (NM_001318827.2); c.3281A>G, p.Tyr1094Cys (NM_001318829.2); c.2825A>G, p.Tyr942Cys (NM_001318831.2); c.3458A>G, p.Tyr1153Cys (NM_001318832.2); c.3428A>G, p.Tyr1143Cys (NM_001363528.2, NM_001370405.1, NM_021055.3); short protein forms Y1186C, Y1094C, Y942C, Y1106C, Y1142C, Y1143C, Y1153C.
Identifiers: ClinVar variation 49764 (VCV000049764.36), dbSNP rs137854421, ClinGen allele CA019269.
Genomic context (GRCh38, chr16:2,080,324, plus strand): 5'-CTGAGAAGGCCTCAGCTGGCACCCGGGTTCCTGTGCAGGAGAAGACGAACCTGGCGGCCT[A>G]TGTGCCCCTGCTGACCCAGGGCTGGGCGGAGATCCTGGTCCGGAGGCCCACAGGTACTGG-3'
Protein context (NP_000539.2, residues 1176-1196): PVQEKTNLAA[Tyr1186Cys]VPLLTQGWAE